The following is an entry in ClinVar:

ClinVar aggregate classification (germline): Uncertain significance (1 of 4 stars; one submission).

gnomAD v4.1: 6 of 1,612,962 alleles (0.00037%); highest among the groups gnomAD compares: South Asian, 0.0066%; no homozygotes.

Submission:

Women's Health and Genetics/Laboratory Corporation of America, LabCorp
Classification: Uncertain significance. Last evaluated: 2024-05-09. Review status: criteria provided, single submitter. Criteria: LabCorp Variant Classification Summary - May 2015. Collection method: clinical testing. Allele origin: germline.
Comment: Variant summary: OBSL1 c.790A>G (p.Lys264Glu) results in a conservative amino acid change located in the Immunoglobulin subtype 2 (IPR003598) of the encoded protein sequence. Three of five in-silico tools predict a damaging effect of the variant on protein function. The variant allele was found at a frequency of 8.2e-06 in 245006 control chromosomes. The available data on variant occurrences in the general population are insufficient to allow any conclusion about variant significance. To our knowledge, no occurrence of c.790A>G in individuals affected with Three M Syndrome 2 and no experimental evidence demonstrating its impact on protein function have been reported. No submitters have cited clinical-significance assessments for this variant to ClinVar. Based on the evidence outlined above, the variant was classified as uncertain significance.

NM_015311.3(OBSL1):c.790A>G (p.Lys264Glu)

Gene: OBSL1 (obscurin like cytoskeletal adaptor 1; minus strand). Cytogenetic location: 2q35.
Variant type: single nucleotide variant.
Coding change: c.790A>G on transcript NM_015311.3 (MANE Select); coding-DNA position 790, A replaced by G.
Protein change: p.Lys264Glu; replaces lysine 264 with glutamic acid.
Molecular consequence: missense variant.
Genome position (GRCh38, 1-based): chr2:219,570,443, T>C on the plus strand (A>G on the coding strand, the complement: OBSL1 is on the minus strand). VCF-style: chr2-219570443-T-C. GRCh37 (hg19) VCF-style: chr2-220435165-T-C.
Other names: c.790A>G, p.Lys264Glu (NM_001173408.2, NM_001173431.2); short protein forms K264E.
Identifiers: ClinVar variation 3336069 (VCV003336069.1).